The following is an entry in ClinVar:

NM_000051.4(ATM):c.5424_5429del (p.Leu1809_Thr1810del)

Gene: ATM (ATM serine/threonine kinase; plus strand). Cytogenetic location: 11q22.3.
Variant type: Deletion.
Coding change: c.5424_5429del on transcript NM_000051.4 (MANE Select); coding-DNA positions 5424 to 5429, 6 bases deleted (ACTGAC; older notation c.5424_5429delACTGAC).
Protein change: p.Leu1809_Thr1810del.
Molecular consequence: inframe deletion.
Genome position (GRCh38, 1-based): chr11:108,302,957-108,302,962, ACTGAC deleted; deleting any 6 consecutive bases within chr11:108,302,954-108,302,962 gives the same sequence; the c. name uses the placement nearest the transcript's 3' end. VCF-style (leftmost placement, unchanged base first): chr11-108302953-AGACACT-A. GRCh37 (hg19) VCF-style: chr11-108173680-AGACACT-A.
Other names: c.5424_5429del, p.Leu1809_Thr1810del (NM_001351834.2).
Identifiers: ClinVar variation 1025792 (VCV001025792.8), dbSNP rs2083503966, ClinGen allele CA1998799990.

ClinVar aggregate classification (germline): Uncertain significance (1 of 4 stars; one submission).

Conditions:
Ataxia-telangiectasia syndrome (AT). Also called: ATAXIA-TELANGIECTASIA, FRESNO VARIANT; Ataxia-telangiectasia, complementation group D; AT, COMPLEMENTATION GROUP C; Cerebello-oculocutaneous telangiectasia; Immunodeficiency with ataxia telangiectasia; Ataxia telangiectasia (A-T). Identifiers: Orphanet 100, MedGen C0004135, MONDO:0008840, OMIM 208900.

Submission:

Labcorp Genetics (formerly Invitae), Labcorp
Classification: Uncertain significance for Ataxia-telangiectasia syndrome. Last evaluated: 2020-07-29. Review status: criteria provided, single submitter. Criteria: Invitae Variant Classification Sherloc (09022015). Collection method: clinical testing. Allele origin: germline.
Comment: In summary, the available evidence is currently insufficient to determine the role of this variant in disease. Therefore, it has been classified as a Variant of Uncertain Significance. Experimental studies and prediction algorithms are not available or were not evaluated, and the functional significance of this variant is currently unknown. This variant has not been reported in the literature in individuals with ATM-related conditions. This variant is not present in population databases (ExAC no frequency). This variant, c.5424_5429del, results in the deletion of 2 amino acid(s) of the ATM protein (p.Leu1809_Thr1810del), but otherwise preserves the integrity of the reading frame.